The following is an entry in ClinVar:

ClinVar aggregate classification (germline): Pathogenic/Likely pathogenic. Review status: criteria provided, multiple submitters, no conflicts (2 of 4 stars). 6 submissions from 6 submitters: Pathogenic (2); Likely pathogenic (4). Last evaluated 2025-10-09.

Conditions:
NF1-related disorder. Also called: NF1-related condition. Identifiers: MedGen CN379171.
Hereditary cancer-predisposing syndrome. Also called: Neoplastic Syndromes, Hereditary; Hereditary Cancer Syndrome; Hereditary neoplastic syndrome; Tumor predisposition. Identifiers: Orphanet 140162, MedGen C0027672, MeSH D009386, MONDO:0015356.
Cardiovascular phenotype. Identifiers: MedGen CN230736.
Neurofibromatosis, type 1 (NF1). Also called: VON RECKLINGHAUSEN DISEASE; Peripheral type neurofibromatosis; NEUROFIBROMATOSIS, TYPE I, SOMATIC; Neurofibromatosis, type I. Identifiers: Orphanet 636, MedGen C0027831, MONDO:0018975, OMIM 162200. Disease mechanism: loss of function.

Submissions (6):

Labcorp Genetics (formerly Invitae), Labcorp
Classification: Pathogenic for Neurofibromatosis, type 1. Last evaluated: 2025-10-09. Review status: criteria provided, single submitter. Criteria: Invitae Variant Classification Sherloc (09022015). Collection method: clinical testing. Allele origin: germline.
Comment: This sequence change falls in intron 44 of the NF1 gene. It does not directly change the encoded amino acid sequence of the NF1 protein. RNA analysis indicates that this variant induces altered splicing and may result in an absent or altered protein product. This variant is not present in population databases (gnomAD no frequency). This variant has been observed in individual(s) with clinical features of NF1-related conditions (PMID: 12808981, 18546366, 29673180; internal data). In at least one individual the variant was observed to be de novo. Invitae Evidence Modeling of clinical and family history, age, sex, and reported ancestry of multiple individuals with this NF1 variant has been performed. This variant is expected to be pathogenic with a positive predictive value of at least 99%. This is a validated machine learning model that incorporates the clinical features of 1,785,918 individuals referred to our laboratory for NF1 testing. This variant is also known as IVS36+3G>A. ClinVar contains an entry for this variant (Variation ID: 457805). Variants that disrupt the consensus splice site are a relatively common cause of aberrant splicing (PMID: 17576681, 9536098). Studies have shown that this variant results in skipping of exon 44 (also known as exon 36), and produces a non-functional protein and/or introduces a premature termination codon (PMID: 12807981). For these reasons, this variant has been classified as Pathogenic.

Ambry Genetics
Classification: Likely pathogenic for Cardiovascular phenotype; Hereditary cancer-predisposing syndrome. Last evaluated: 2025-08-22. Review status: criteria provided, single submitter. Criteria: Ambry Variant Classification Scheme 2023. Collection method: clinical testing. Allele origin: germline.
Comment: The c.6756+3A>G intronic variant results from an A to G substitution 3 nucleotides after coding exon 44 in the NF1 gene. In silico splice site analysis predicts that this alteration will weaken the native splice donor site. RNA studies have demonstrated that this alteration results in abnormal splicing in the set of samples tested (Ambry internal data). This variant was reported in individual(s) with features consistent with Neurofibromatosis type 1 (Ambry internal data). Other variant(s) impacting the same donor site (c.6756+1delG) have been shown to have a similar impact on splicing in individual(s) with features consistent with Neurofibromatosis type 1 (Ambry internal data). This variant is considered to be rare based on population cohorts in the Genome Aggregation Database (gnomAD). Based on the majority of available evidence to date, this variant is likely to be pathogenic.

Quest Diagnostics Nichols Institute San Juan Capistrano
Classification: Likely pathogenic. Last evaluated: 2024-11-04. Review status: criteria provided, single submitter. Criteria: Quest Diagnostics criteria. Collection method: clinical testing. Allele origin: unknown.
Comment: The NF1 c.6756+3A>G variant has been reported in the published literature in individuals affected with neurofibromatosis type 1 (PMID: 29673180 (2018), 18546366 (2008)). Functional studies demonstrate abnormal splicing (PMID: 12807981 (2003)). This variant has not been reported in large, multi-ethnic general populations (Genome Aggregation Database). Analysis of this variant using software algorithms for the prediction of the effect of nucleotide changes on splicing yielded predictions that this variant may affect proper NF1 mRNA splicing. Based on the available information, this variant is classified as likely pathogenic.

Molecular Pathology, Peter Maccallum Cancer Centre
Classification: Likely pathogenic for Neurofibromatosis, type 1. Last evaluated: 2024-10-28. Review status: criteria provided, single submitter. Criteria: ACMG Guidelines, 2015. Collection method: clinical testing. Allele origin: germline. Inheritance: Autosomal dominant inheritance.

Institute of Medical Genetics and Applied Genomics, University Hospital Tübingen
Classification: Pathogenic for Neurofibromatosis, type 1. Last evaluated: 2024-04-24. Review status: criteria provided, single submitter. Criteria: ACMG Guidelines, 2015. Collection method: clinical testing. Allele origin: germline. Inheritance: Autosomal dominant inheritance. Affected: yes.

Blueprint Genetics
Classification: Likely pathogenic for NF1-related disorders. Last evaluated: 2019-06-12. Review status: criteria provided, single submitter. Criteria: ACMG Guidelines, 2015. Collection method: clinical testing. Allele origin: germline. Affected: yes. Observed: 1 variant allele.

Literature cited by the submitters: PubMed 12808981 (cited by Labcorp Genetics (formerly Invitae), Labcorp); PubMed 18546366 (cited by Labcorp Genetics (formerly Invitae), Labcorp and Quest Diagnostics Nichols Institute San Juan Capistrano); PubMed 29673180 (cited by Labcorp Genetics (formerly Invitae), Labcorp and Quest Diagnostics Nichols Institute San Juan Capistrano); PubMed 17576681 (cited by Labcorp Genetics (formerly Invitae), Labcorp); PubMed 9536098 (cited by Labcorp Genetics (formerly Invitae), Labcorp); PubMed 12807981 (cited by Labcorp Genetics (formerly Invitae), Labcorp and Quest Diagnostics Nichols Institute San Juan Capistrano).

NM_001042492.3(NF1):c.6819+3A>G

Gene: NF1 (neurofibromin 1; plus strand). Cytogenetic location: 17q11.2.
Variant type: single nucleotide variant.
Coding change: c.6819+3A>G on transcript NM_001042492.3 (MANE Select); 3 bases into the intron after coding-DNA position 6819, A replaced by G.
Molecular consequence: intron variant.
Genome position (GRCh38, 1-based): chr17:31,338,142, A>G. VCF-style: chr17-31338142-A-G. GRCh37 (hg19) VCF-style: chr17-29665160-A-G.
Other names: c.6819+3A>G (NM_001042492.2); c.6756+3A>G (NM_000267.4).
Identifiers: ClinVar variation 457805 (VCV000457805.11), dbSNP rs1555534966, ClinGen allele CA645572248.